The following is an entry in ClinVar:

NM_000285.4(PEPD):c.610G>C (p.Glu204Gln)

Gene: PEPD (peptidase D; minus strand). Cytogenetic location: 19q13.11.
Variant type: single nucleotide variant.
Coding change: c.610G>C on transcript NM_000285.4 (MANE Select); coding-DNA position 610, G replaced by C.
Protein change: p.Glu204Gln; replaces glutamic acid 204 with glutamine.
Molecular consequence: missense variant. On other transcripts: intron variant (1).
Genome position (GRCh38, 1-based): chr19:33,464,001, C>G on the plus strand (G>C on the coding strand, the complement: PEPD is on the minus strand). VCF-style: chr19-33464001-C-G. GRCh37 (hg19) VCF-style: chr19-33954907-C-G.
Other names: c.418G>C, p.Glu140Gln (NM_001166057.2); c.548+14045G>C (NM_001166056.2); short protein forms E204Q, E140Q.
Identifiers: ClinVar variation 1461275 (VCV001461275.8), dbSNP rs1452259995, ClinGen allele CA405230707.

ClinVar aggregate classification (germline): Uncertain significance (1 of 4 stars; one submission).

Submission:

Labcorp Genetics (formerly Invitae), Labcorp
Classification: Uncertain significance. Last evaluated: 2022-07-05. Review status: criteria provided, single submitter. Criteria: Invitae Variant Classification Sherloc (09022015). Collection method: clinical testing. Allele origin: germline.
Comment: This sequence change replaces glutamic acid, which is acidic and polar, with glutamine, which is neutral and polar, at codon 204 of the PEPD protein (p.Glu204Gln). In summary, the available evidence is currently insufficient to determine the role of this variant in disease. Therefore, it has been classified as a Variant of Uncertain Significance. Algorithms developed to predict the effect of missense changes on protein structure and function (SIFT, PolyPhen-2, Align-GVGD) all suggest that this variant is likely to be tolerated. ClinVar contains an entry for this variant (Variation ID: 1461275). This variant has not been reported in the literature in individuals affected with PEPD-related conditions. This variant is not present in population databases (gnomAD no frequency).